The following is an entry in ClinVar:

ClinVar aggregate classification (germline): Benign. Review status: criteria provided, multiple submitters, no conflicts (2 of 4 stars). 2 submissions from 2 submitters: Benign (2). Last evaluated 2018-01-13.

Conditions:
Giant axonal neuropathy 1 (GAN1). Also called: GAN-Related Neurodegeneration; GIANT AXONAL NEUROPATHY 1, AUTOSOMAL RECESSIVE. Identifiers: Orphanet 643, MedGen C1850386, MONDO:0009749, OMIM 256850.

Allele frequency attached by ClinVar (database versions not stated): 1000 Genomes Project 0.30551; 1000 Genomes Project 30x 0.30871; TOPMed 0.41177; gnomAD 0.41271 and 0.41705; gnomAD exomes 0.43929.
gnomAD v4.1: 62,954 of 152,362 alleles (41%); highest among the groups gnomAD compares: Middle Eastern, 54%; 14,280 homozygotes.

Submissions (2):

Illumina Laboratory Services, Illumina
Classification: Benign for Giant axonal neuropathy 1. Last evaluated: 2018-01-13. Review status: criteria provided, single submitter. Criteria: ICSL Variant Classification Criteria 13 December 2019. Collection method: clinical testing. Allele origin: germline.
Comment: This variant was observed in the ICSL laboratory as part of a predisposition screen in an ostensibly healthy population. It had not been previously curated by ICSL or reported in the Human Gene Mutation Database (HGMD: prior to June 1st, 2018), and was therefore a candidate for classification through an automated scoring system. Utilizing variant allele frequency, disease prevalence and penetrance estimates, and inheritance mode, an automated score was calculated to assess if this variant is too frequent to cause the disease. Based on the score and internal cut-off values, a variant classified as benign is not then subjected to further curation. The score for this variant resulted in a classification of benign for this disease.

Breakthrough Genomics
Classification: Benign. Review status: criteria provided, single submitter. Criteria: ACMG Guidelines, 2015. Collection method: not provided. Allele origin: germline. Inheritance: Autosomal recessive inheritance. Affected: yes.

NM_022041.4(GAN):c.*967G>A

Gene: GAN (gigaxonin; plus strand). Cytogenetic location: 16q23.2.
Variant type: single nucleotide variant.
Coding change: c.*967G>A on transcript NM_022041.4 (MANE Select); 967 bases downstream of the stop codon, G replaced by A.
Molecular consequence: 3 prime UTR variant.
Genome position (GRCh38, 1-based): chr16:81,378,563, G>A. VCF-style: chr16-81378563-G-A. GRCh37 (hg19) VCF-style: chr16-81412168-G-A.
Other names: c.*967G>A (NM_001377486.1).
Identifiers: ClinVar variation 320683 (VCV000320683.6), dbSNP rs12920236, ClinGen allele CA10644331.